The following is an entry in ClinVar:

NM_004304.5(ALK):c.2041+5G>A

Gene: ALK (ALK receptor tyrosine kinase; minus strand). Cytogenetic location: 2p23.2.
Variant type: single nucleotide variant.
Coding change: c.2041+5G>A on transcript NM_004304.5 (MANE Select); 5 bases into the intron after coding-DNA position 2041, G replaced by A.
Molecular consequence: intron variant.
Genome position (GRCh38, 1-based): chr2:29,275,094, C>T on the plus strand (G>A on the coding strand, the complement: ALK is on the minus strand). VCF-style: chr2-29275094-C-T. GRCh37 (hg19) VCF-style: chr2-29497960-C-T.
Identifiers: ClinVar variation 404387 (VCV000404387.8), dbSNP rs1060500232, ClinGen allele CA16610713.

ClinVar aggregate classification (germline): Uncertain significance. Review status: criteria provided, multiple submitters, no conflicts (2 of 4 stars). 2 submissions from 2 submitters: Uncertain significance (2). Last evaluated 2025-11-18.

Conditions:
Hereditary cancer-predisposing syndrome. Also called: Tumor predisposition; Neoplastic Syndromes, Hereditary; Hereditary Cancer Syndrome; Hereditary neoplastic syndrome. Identifiers: Orphanet 140162, MedGen C0027672, MeSH D009386, MONDO:0015356.
Neuroblastoma, susceptibility to, 3. Also called: ALK-Related Neuroblastic Tumor Susceptibility. Identifiers: Orphanet 635, MedGen C2751681, MONDO:0013083, OMIM 613014.

Allele frequency attached by ClinVar (database versions not stated): gnomAD exomes below 0.00001; gnomAD 0.00001; TOPMed 0.00002.
gnomAD v4.1: 4 of 1,613,930 alleles (0.00025%); highest among the groups gnomAD compares: African/African-American, 0.0013%; no homozygotes.

Submissions (2):

Labcorp Genetics (formerly Invitae), Labcorp
Classification: Uncertain significance for Neuroblastoma, susceptibility to, 3. Last evaluated: 2025-11-18. Review status: criteria provided, single submitter. Criteria: Invitae Variant Classification Sherloc (09022015). Collection method: clinical testing. Allele origin: germline.
Comment: This sequence change falls in intron 11 of the ALK gene. It does not directly change the encoded amino acid sequence of the ALK protein. It affects a nucleotide within the consensus splice site. This variant is not present in population databases (gnomAD no frequency). This variant has not been reported in the literature in individuals affected with ALK-related conditions. ClinVar contains an entry for this variant (Variation ID: 404387). Variants that disrupt the consensus splice site are a relatively common cause of aberrant splicing (PMID: 17576681, 9536098). Algorithms developed to predict the effect of sequence changes on RNA splicing suggest that this variant is not likely to affect RNA splicing. In summary, the available evidence is currently insufficient to determine the role of this variant in disease. Therefore, it has been classified as a Variant of Uncertain Significance.

Ambry Genetics
Classification: Uncertain significance for Hereditary cancer-predisposing syndrome. Last evaluated: 2025-01-15. Review status: criteria provided, single submitter. Criteria: Ambry Variant Classification Scheme 2023. Collection method: clinical testing. Allele origin: germline.
Comment: The c.2041+5G>A intronic variant results from a G to A substitution 5 nucleotides after coding exon 11 in the ALK gene. This nucleotide position is well conserved in available vertebrate species. In silico splice site analysis predicts that this alteration will not have any significant effect on splicing. Based on the available evidence, the clinical significance of this variant remains unclear.

Literature cited by the submitters: PubMed 17576681 (cited by Labcorp Genetics (formerly Invitae), Labcorp); PubMed 9536098 (cited by Labcorp Genetics (formerly Invitae), Labcorp).